The following is an entry in ClinVar:

NM_005751.5(AKAP9):c.971T>C (p.Ile324Thr)

Gene: AKAP9 (A-kinase anchoring protein 9; plus strand). Cytogenetic location: 7q21.2.
Variant type: single nucleotide variant.
Coding change: c.971T>C on transcript NM_005751.5 (MANE Select); coding-DNA position 971, T replaced by C.
Protein change: p.Ile324Thr; replaces isoleucine 324 with threonine.
Molecular consequence: missense variant.
Genome position (GRCh38, 1-based): chr7:92,000,888, T>C. VCF-style: chr7-92000888-T-C. GRCh37 (hg19) VCF-style: chr7-91630202-T-C.
Other names: c.971T>C, p.Ile324Thr (NM_147185.3); short protein forms I324T.
Identifiers: ClinVar variation 191513 (VCV000191513.24), dbSNP rs367857951, ClinGen allele CA236855.

ClinVar aggregate classification (germline): Likely benign. Review status: criteria provided, multiple submitters, no conflicts (2 of 4 stars). 6 submissions from 6 submitters: Likely benign (5). 1 of the submissions does not count toward it. Last evaluated 2025-12-21.

Conditions:
Cardiovascular phenotype. Identifiers: MedGen CN230736.
AKAP9-related disorder. Also called: AKAP9-related condition.
Long QT syndrome (LQTS). Identifiers: MedGen C0023976, MeSH D008133, MONDO:0002442. Disease mechanism: loss of function. Inheritance: Various modes of inheritance.

Allele frequency attached by ClinVar (database versions not stated): gnomAD exomes 0.00052 and 0.00021; ExAC 0.00125; ESP Exome Variant Server 0.00010; gnomAD 0.00024; TOPMed 0.00027.

Submissions (6):

Labcorp Genetics (formerly Invitae), Labcorp
Classification: Likely benign for Long QT syndrome. Last evaluated: 2025-12-21. Review status: criteria provided, single submitter. Criteria: Invitae Variant Classification Sherloc (09022015). Collection method: clinical testing. Allele origin: germline.

Blueprint Genetics
Classification: Likely benign. Last evaluated: 2024-10-25. Review status: criteria provided, single submitter. Criteria: ACMG Guidelines, 2015. Collection method: clinical testing. Allele origin: germline.

Ambry Genetics
Classification: Likely benign for Cardiovascular phenotype. Last evaluated: 2019-04-16. Review status: criteria provided, single submitter. Criteria: Ambry Variant Classification Scheme 2023. Collection method: clinical testing. Allele origin: germline.

Center for Advanced Laboratory Medicine, UC San Diego Health, University of California San Diego
Classification: Likely benign for Long QT Syndrome. Last evaluated: 2018-05-08. Review status: criteria provided, single submitter. Criteria: ACMG Guidelines, 2015. Collection method: clinical testing. Allele origin: germline. Affected: yes. Observed: 1 variant allele.

Biesecker Lab/Clinical Genomics Section, National Institutes of Health
Classification: Likely benign. Last evaluated: 2013-06-24. Review status: criteria provided, single submitter. Criteria: Ng et al. (Circ Cardiovasc Genet. 2013). Collection method: research. Allele origin: unknown. Observed: 2 variant alleles. Study: ClinSeq.
Comment: The study set was not selected for affection status in relation to any cancer. Pathogenicity categories were based on literature curation. See Pubmed ID:23861362 for details.

Medical sequencing

PreventionGenetics, part of Exact Sciences
Classification: Benign for AKAP9-related condition. Last evaluated: 2023-07-24. Review status: no assertion criteria provided. Collection method: clinical testing. Allele origin: germline. Not counted in ClinVar's aggregate classification.
Comment: This variant is classified as benign based on ACMG/AMP sequence variant interpretation guidelines (Richards et al. 2015 PMID: 25741868, with internal and published modifications).